The following is an entry in ClinVar:

NM_152618.3(BBS12):c.1380G>C (p.Val460=)

Gene: BBS12 (Bardet-Biedl syndrome 12; plus strand). Cytogenetic location: 4q27.
Variant type: single nucleotide variant.
Coding change: c.1380G>C on transcript NM_152618.3 (MANE Select); coding-DNA position 1380, G replaced by C.
Protein change: p.Val460=; no amino-acid change (valine 460 retained).
Molecular consequence: synonymous variant.
Genome position (GRCh38, 1-based): chr4:122,743,272, G>C. VCF-style: chr4-122743272-G-C. GRCh37 (hg19) VCF-style: chr4-123664427-G-C.
Other names: p.Val460=; c.1380G>C, p.Val460= (NM_001178007.2).
Identifiers: ClinVar variation 166726 (VCV000166726.30), dbSNP rs13135766, ClinGen allele CA179775.
Genomic context (GRCh38, chr4:122,743,272, plus strand): 5'-TGTGATGCAGGCTTTTGCAGAGGCTGCAGGAGCAGTACAGGTGGCCTACATTACACAAGT[G>C]AATGAAGATTGTGTGGGCGACGGGGTCTGCGTGACCTTCTGGAGAAGCAGCCCTTTGGAT-3'
Protein context (NP_689831.2, residues 450-470): GAVQVAYITQ[Val460=]NEDCVGDGVC

ClinVar aggregate classification (germline): Benign. Review status: criteria provided, multiple submitters, no conflicts (2 of 4 stars). 14 submissions from 14 submitters: Benign (11). 3 of the submissions do not count toward it. Last evaluated 2026-05-18.

Conditions:
Bardet-Biedl syndrome (BBS). Identifiers: Orphanet 110, MedGen C0752166, MONDO:0015229.
Bardet-Biedl syndrome 1 (BBS1). Identifiers: MedGen C2936862, MONDO:0008854, OMIM 209900. Disease mechanism: loss of function.
Bardet-Biedl syndrome 12 (BBS12). Identifiers: Orphanet 110, MedGen C1859570, MONDO:0014440, OMIM 615989.

Allele frequency attached by ClinVar (database versions not stated): 1000 Genomes Project 30x 0.09307; 1000 Genomes Project 0.09465; TOPMed 0.14808; gnomAD 0.15889 and 0.16051; ExAC 0.17276; ESP Exome Variant Server 0.17492.
gnomAD v4.1: 334,567 of 1,614,036 alleles (21%); highest among the groups gnomAD compares: Non-Finnish European, 24%; 38,147 homozygotes.

Submissions (14):

Women's Health and Genetics/Laboratory Corporation of America, LabCorp
Classification: Benign. Last evaluated: 2026-05-18. Review status: criteria provided, single submitter. Criteria: LabCorp Variant Classification Summary - May 2015. Collection method: clinical testing. Allele origin: germline.

Labcorp Genetics (formerly Invitae), Labcorp
Classification: Benign for Bardet-Biedl syndrome. Last evaluated: 2026-02-04. Review status: criteria provided, single submitter. Criteria: Invitae Variant Classification Sherloc (09022015). Collection method: clinical testing. Allele origin: germline.

Blueprint Genetics
Classification: Benign. Last evaluated: 2024-11-26. Review status: criteria provided, single submitter. Criteria: ACMG Guidelines, 2015. Collection method: clinical testing. Allele origin: germline.

Mayo Clinic Laboratories, Mayo Clinic
Classification: Benign. Last evaluated: 2022-03-09. Review status: criteria provided, single submitter. Criteria: ACMG Guidelines, 2015. Collection method: clinical testing. Allele origin: germline. Observed: 22 variant alleles.

Pars Genome Lab
Classification: Benign for Bardet-Biedl syndrome 12. Last evaluated: 2021-06-15. Review status: criteria provided, single submitter. Criteria: ACMG Guidelines, 2015. Collection method: clinical testing. Allele origin: germline. Affected: no.

GeneDx
Classification: Benign. Last evaluated: 2021-05-04. Review status: criteria provided, single submitter. Criteria: GeneDx Variant Classification Process June 2021. Collection method: clinical testing. Allele origin: germline. Affected: yes.

Illumina Laboratory Services, Illumina
Classification: Benign for Bardet-Biedl syndrome 12. Last evaluated: 2018-01-13. Review status: criteria provided, single submitter. Criteria: ICSL Variant Classification Criteria 13 December 2019. Collection method: clinical testing. Allele origin: germline.
Comment: This variant was observed in the ICSL laboratory as part of a predisposition screen in an ostensibly healthy population. It had not been previously curated by ICSL or reported in the Human Gene Mutation Database (HGMD: prior to June 1st, 2018), and was therefore a candidate for classification through an automated scoring system. Utilizing variant allele frequency, disease prevalence and penetrance estimates, and inheritance mode, an automated score was calculated to assess if this variant is too frequent to cause the disease. Based on the score and internal cut-off values, a variant classified as benign is not then subjected to further curation. The score for this variant resulted in a classification of benign for this disease.

Clinical Genetics DNA and cytogenetics Diagnostics Lab, Erasmus MC, Erasmus Medical Center
Classification: Benign for Bardet-Biedl syndrome 1. Last evaluated: 2015-09-21. Review status: criteria provided, single submitter. Criteria: ACGS Guidelines, 2013. Collection method: clinical testing. Allele origin: germline. Affected: yes. Study: VKGL Data-share Consensus.

Eurofins Ntd Llc (ga)
Classification: Benign. Last evaluated: 2014-01-21. Review status: criteria provided, single submitter. Criteria: EGL Classification Definitions 2015. Collection method: clinical testing. Allele origin: germline. Observed: 2 variant alleles, 1 heterozygote, 1 homozygote.

Breakthrough Genomics
Classification: Benign. Review status: criteria provided, single submitter. Criteria: ACMG Guidelines, 2015. Collection method: not provided. Allele origin: germline. Inheritance: Autosomal recessive inheritance. Affected: yes.

PreventionGenetics, part of Exact Sciences
Classification: Benign. Review status: criteria provided, single submitter. Criteria: ACMG Guidelines, 2015. Collection method: clinical testing. Allele origin: germline.

Natera, Inc.
Classification: Benign for Bardet-Biedl syndrome type 12. Last evaluated: 2020-09-16. Review status: no assertion criteria provided. Collection method: clinical testing. Allele origin: germline. Not counted in ClinVar's aggregate classification.

Diagnostic Laboratory, Department of Genetics, University Medical Center Groningen
Classification: Benign for Bardet-Biedl syndrome 1. Review status: no assertion criteria provided. Collection method: clinical testing. Allele origin: germline. Affected: yes. Study: VKGL Data-share Consensus. Not counted in ClinVar's aggregate classification.

Joint Genome Diagnostic Labs from Nijmegen and Maastricht, Radboudumc and MUMC+
Classification: Benign. Review status: no assertion criteria provided. Collection method: clinical testing. Allele origin: germline. Affected: yes. Study: VKGL Data-share Consensus. Not counted in ClinVar's aggregate classification.